The following is an entry in ClinVar:

ClinVar aggregate classification (germline): Uncertain significance (1 of 4 stars; one submission).

Conditions:
TUBB2A-related disorder. Also called: TUBB2A-related condition.

Submission:

PreventionGenetics, part of Exact Sciences
Classification: Uncertain significance for TUBB2A-related condition. Last evaluated: 2023-06-02. Review status: criteria provided, single submitter. Criteria: ACMG Guidelines, 2015. Collection method: clinical testing. Allele origin: germline.
Comment: The TUBB2A c.590A>C variant is predicted to result in the amino acid substitution p.Asp197Ala. To our knowledge, this variant has not been reported in the literature or in a large population database, indicating this variant is rare. At this time, the clinical significance of this variant is uncertain due to the absence of conclusive functional and genetic evidence.

NM_001069.3(TUBB2A):c.590A>C (p.Asp197Ala)

Gene: TUBB2A (tubulin beta 2A class IIa; minus strand). Cytogenetic location: 6p25.2.
Variant type: single nucleotide variant.
Coding change: c.590A>C on transcript NM_001069.3 (MANE Select); coding-DNA position 590, A replaced by C.
Protein change: p.Asp197Ala; replaces aspartic acid 197 with alanine.
Molecular consequence: missense variant.
Genome position (GRCh38, 1-based): chr6:3,154,611, T>G on the plus strand (A>C on the coding strand, the complement: TUBB2A is on the minus strand). VCF-style: chr6-3154611-T-G. GRCh37 (hg19) VCF-style: chr6-3154845-T-G.
Other names: c.335A>C, p.Asp112Ala (NM_001310315.2); short protein forms D112A, D197A.
Identifiers: ClinVar variation 2632660 (VCV002632660.1), dbSNP rs2533524791, ClinGen allele CA362592401.